The following is an entry in ClinVar:

ClinVar aggregate classification (germline): Uncertain significance (1 of 4 stars; one submission).

Conditions:
Pyruvate dehydrogenase E1-alpha deficiency (PDHAD). Also called: ATAXIA, INTERMITTENT, WITH PYRUVATE DEHYDROGENASE DEFICIENCY; ATAXIA WITH LACTIC ACIDOSIS I; ATAXIA, INTERMITTENT, WITH ABNORMAL PYRUVATE METABOLISM; Ataxia, intermittent, with pyruvate dehydrogenase, or decarboxylase, deficiency. Identifiers: Orphanet 79243, MedGen C1839413, MONDO:0010717, OMIM 312170.

Submission:

3billion
Classification: Uncertain significance for Pyruvate dehydrogenase E1-alpha deficiency. Last evaluated: 2025-07-16. Review status: criteria provided, single submitter. Criteria: ACMG Guidelines, 2015. Collection method: clinical testing. Allele origin: germline. Affected: yes.
Comment: The variant is not observed in the gnomAD v4.1.0 dataset. Predicted Consequence/Location: Missense variant In silico tool predictions suggest damaging effect of the variant on gene or gene product [ 3Cnet: 0.76 (> 0.75, sensitivity 0.96 and precision 0.92)]. Therefore, this variant is classified as VUS according to the recommendation of ACMG/AMP guideline.

NM_000284.4(PDHA1):c.698T>C (p.Val233Ala)

Gene: PDHA1 (pyruvate dehydrogenase E1 subunit alpha 1; plus strand). Cytogenetic location: Xp22.12.
Variant type: single nucleotide variant.
Coding change: c.698T>C on transcript NM_000284.4 (MANE Select); coding-DNA position 698, T replaced by C.
Protein change: p.Val233Ala; replaces valine 233 with alanine.
Molecular consequence: missense variant.
Genome position (GRCh38, 1-based): chrX:19,355,443, T>C. VCF-style: chrX-19355443-T-C. GRCh37 (hg19) VCF-style: chrX-19373561-T-C.
Other names: c.812T>C, p.Val271Ala (NM_001173454.2); c.719T>C, p.Val240Ala (NM_001173455.2); c.605T>C, p.Val202Ala (NM_001173456.2); short protein forms V202A, V233A, V240A, V271A.
Identifiers: ClinVar variation 4855094 (VCV004855094.1).